The following is an entry in ClinVar:

ClinVar aggregate classification (germline): Pathogenic (1 of 4 stars; one submission).

Submission:

Labcorp Genetics (formerly Invitae), Labcorp
Classification: Pathogenic. Last evaluated: 2025-07-14. Review status: criteria provided, single submitter. Criteria: Invitae Variant Classification Sherloc (09022015). Collection method: clinical testing. Allele origin: germline.
Comment: This sequence change affects a donor splice site in intron 4 of the HPGD gene. It is expected to disrupt RNA splicing. Variants that disrupt the donor or acceptor splice site typically lead to a loss of protein function (PMID: 16199547), and loss-of-function variants in HPGD are known to be pathogenic (PMID: 18500342, 19568269, 24533558, 24816859). This variant is not present in population databases (gnomAD no frequency). Disruption of this splice site has been observed in individual(s) with primary hypertrophic osteoarthropathy (PMID: 35813463). In at least one individual the data is consistent with being in trans (on the opposite chromosome) from a pathogenic variant. ClinVar contains an entry for this variant (Variation ID: 2842323). Algorithms developed to predict the effect of sequence changes on RNA splicing suggest that this variant may disrupt the consensus splice site. For these reasons, this variant has been classified as Pathogenic.

Literature cited by the submitters: PubMed 16199547; PubMed 18500342; PubMed 19568269; PubMed 24533558; PubMed 24816859; PubMed 35813463.

NM_000860.6(HPGD):c.421+1G>A

Gene: HPGD (15-hydroxyprostaglandin dehydrogenase; minus strand). Cytogenetic location: 4q34.1.
Variant type: single nucleotide variant.
Coding change: c.421+1G>A on transcript NM_000860.6 (MANE Select); the canonical splice donor site of the intron after coding-DNA position 421, G replaced by A.
Molecular consequence: splice donor variant. On other transcripts: intron variant (1).
Genome position (GRCh38, 1-based): chr4:174,508,695, C>T on the plus strand (G>A on the coding strand, the complement: HPGD is on the minus strand). VCF-style: chr4-174508695-C-T. GRCh37 (hg19) VCF-style: chr4-175429846-C-T.
Other names: c.218-13071G>A (NM_001256306.2); c.58+1G>A (NM_001256307.2, NM_001256301.1); c.421+1G>A (NM_001256305.2, NM_001145816.3, NM_001363574.2).
Identifiers: ClinVar variation 2842323 (VCV002842323.3), dbSNP rs747458590, ClinGen allele CA358812693.
Genomic context (GRCh38, chr4:174,508,695, plus strand): 5'-GTTTTTGTGGTCCAAATTACCAGTAAGAAAATGTTACATTTAATGTAATAATTGCCCTTA[C>T]CTGCTAAAGATGACATATTGATAATGATGCCGCCTTCACCTCCATTTTGCTTACTCATGT-3'